The following is an entry in ClinVar:

ClinVar aggregate classification (germline): Benign/Likely benign. Review status: criteria provided, multiple submitters, no conflicts (2 of 4 stars). 3 submissions from 3 submitters: Benign (1); Likely benign (1). 1 of the submissions does not count toward it. Last evaluated 2025-12-13.

Conditions:
BRD4-related disorder. Also called: BRD4-related condition.

Allele frequency attached by ClinVar (database versions not stated): ESP Exome Variant Server 0.00015; 1000 Genomes Project 30x 0.00016; 1000 Genomes Project 0.00020; gnomAD exomes 0.00027; TOPMed 0.00032; gnomAD 0.00035; ExAC 0.00041.
gnomAD v4.1: 488 of 1,614,160 alleles (0.03%); highest among the groups gnomAD compares: Middle Eastern, 0.049%; 2 homozygotes.

Submissions (3):

Labcorp Genetics (formerly Invitae), Labcorp
Classification: Benign. Last evaluated: 2025-12-13. Review status: criteria provided, single submitter. Criteria: Invitae Variant Classification Sherloc (09022015). Collection method: clinical testing. Allele origin: germline.

CeGaT Center for Human Genetics Tuebingen
Classification: Likely benign. Last evaluated: 2024-01-01. Review status: criteria provided, single submitter. Criteria: CeGaT Center For Human Genetics Tuebingen Variant Classification Criteria Version 2. Collection method: clinical testing. Allele origin: germline. Affected: yes. Observed: 1 variant allele.
Comment: BRD4: BP4, BP7

PreventionGenetics, part of Exact Sciences
Classification: Benign for BRD4-related condition. Last evaluated: 2019-11-16. Review status: no assertion criteria provided. Collection method: clinical testing. Allele origin: germline. Not counted in ClinVar's aggregate classification.
Comment: This variant is classified as benign based on ACMG/AMP sequence variant interpretation guidelines (Richards et al. 2015 PMID: 25741868, with internal and published modifications).

NM_001379291.1(BRD4):c.3567G>A (p.Ala1189=)

Gene: BRD4 (bromodomain containing 4; minus strand). Cytogenetic location: 19p13.12.
Variant type: single nucleotide variant.
Coding change: c.3567G>A on transcript NM_001379291.1 (MANE Select); coding-DNA position 3567, G replaced by A.
Protein change: p.Ala1189=; no amino-acid change (alanine 1189 retained).
Molecular consequence: synonymous variant.
Genome position (GRCh38, 1-based): chr19:15,239,401, C>T on the plus strand (G>A on the coding strand, the complement: BRD4 is on the minus strand). VCF-style: chr19-15239401-C-T. GRCh37 (hg19) VCF-style: chr19-15350212-C-T.
Other names: c.3567G>A, p.Ala1189= (NM_058243.3); c.3567G>A (NM_058243.2).
Identifiers: ClinVar variation 2056059 (VCV002056059.27), dbSNP rs201932061, ClinGen allele CA9264604.